The following is an entry in ClinVar:

ClinVar aggregate classification (germline): Pathogenic (1 of 4 stars; one submission).

Conditions:
Hypertrophic cardiomyopathy. Also called: HYPERTROPHIC MYOCARDIOPATHY. Identifiers: Orphanet 217569, MedGen C0007194, MeSH D002312, MONDO:0005045, HP:0001639.

Submission:

Labcorp Genetics (formerly Invitae), Labcorp
Classification: Pathogenic for Hypertrophic cardiomyopathy. Last evaluated: 2023-02-21. Review status: criteria provided, single submitter. Criteria: Invitae Variant Classification Sherloc (09022015). Collection method: clinical testing. Allele origin: germline.
Comment: For these reasons, this variant has been classified as Pathogenic. This variant has not been reported in the literature in individuals affected with MYBPC3-related conditions. This variant is a gross deletion of the genomic region encompassing exon(s) 1-26 of the MYBPC3 gene, which includes the initiator codon. This deletion extends beyond the assayed region for this gene and therefore may encompass additional genes. It is expected to result in an absent or disrupted protein product. Loss-of-function variants in MYBPC3 are known to be pathogenic (PMID: 19574547).

Literature cited by the submitters: PubMed 19574547.

NC_000011.9:g.(?_47357408)_(47374198_?)del

Gene: MYBPC3 (myosin binding protein C3; minus strand). Cytogenetic location: 11p11.2.
Variant type: Deletion.
Identifiers: ClinVar variation 2422684 (VCV002422684.4).